The following is an entry in ClinVar:

NM_002474.3(MYH11):c.2398T>C (p.Tyr800His)

Gene: MYH11 (myosin heavy chain 11; minus strand). Cytogenetic location: 16p13.11.
Variant type: single nucleotide variant.
Coding change: c.2398T>C on transcript NM_002474.3 (MANE Select); coding-DNA position 2398, T replaced by C.
Protein change: p.Tyr800His; replaces tyrosine 800 with histidine.
Molecular consequence: missense variant.
Genome position (GRCh38, 1-based): chr16:15,747,583, A>G on the plus strand (T>C on the coding strand, the complement: MYH11 is on the minus strand). VCF-style: chr16-15747583-A-G. GRCh37 (hg19) VCF-style: chr16-15841440-A-G.
Other names: c.2419T>C, p.Tyr807His (NM_001040113.2, NM_001040114.2); c.2398T>C, p.Tyr800His (NM_022844.3); short protein forms Y807H, Y800H.
Identifiers: ClinVar variation 579956 (VCV000579956.13), dbSNP rs1567723860, ClinGen allele CA394867147.

ClinVar aggregate classification (germline): Uncertain significance. Review status: criteria provided, multiple submitters, no conflicts (2 of 4 stars). 2 submissions from 2 submitters: Uncertain significance (2). Last evaluated 2024-03-06.

Conditions:
Aortic aneurysm, familial thoracic 4 (AAT4). Also called: AORTIC ANEURYSM/AORTIC DISSECTION AND PATENT DUCTUS ARTERIOSUS. Identifiers: MedGen C1851504, MONDO:0007568, OMIM 132900.
Familial thoracic aortic aneurysm and aortic dissection (TAAD). Also called: Thoracic aortic aneurysms and dissections. Identifiers: Orphanet 91387, MedGen C4707243, MONDO:0019625.

Allele frequency attached by ClinVar (database versions not stated): gnomAD exomes below 0.00001.
gnomAD v4.1: 2 of 1,614,178 alleles (0.00012%); highest among the groups gnomAD compares: Non-Finnish European, 0.00017%; no homozygotes.

Submissions (2):

Color Diagnostics, LLC DBA Color Health
Classification: Uncertain significance for Familial thoracic aortic aneurysm and aortic dissection. Last evaluated: 2024-03-06. Review status: criteria provided, single submitter. Criteria: ACMG Guidelines, 2015. Collection method: clinical testing. Allele origin: germline.
Comment: This missense variant replaces tyrosine with histidine at codon 807 of the MYH11 protein. Computational prediction tool suggests that this variant may have deleterious impact on protein structure and function (internally defined REVEL score threshold >=0.7, PMID: 27666373). Splice site prediction tools suggest that this variant may not impact RNA splicing. To our knowledge, functional studies have not been performed for this variant. This variant has not been reported in individuals affected with cardiovascular disorders in the literature. This variant has not been identified in the general population by the Genome Aggregation Database (gnomAD). The available evidence is insufficient to determine the role of this variant in disease conclusively. Therefore, this variant is classified as a Variant of Uncertain Significance.

Labcorp Genetics (formerly Invitae), Labcorp
Classification: Uncertain significance for Aortic aneurysm, familial thoracic 4. Last evaluated: 2018-08-03. Review status: criteria provided, single submitter. Criteria: Invitae Variant Classification Sherloc (09022015). Collection method: clinical testing. Allele origin: germline.
Comment: This variant is not present in population databases (ExAC no frequency). This sequence change replaces tyrosine with histidine at codon 807 of the MYH11 protein (p.Tyr807His). The tyrosine residue is highly conserved and there is a moderate physicochemical difference between tyrosine and histidine. In summary, the available evidence is currently insufficient to determine the role of this variant in disease. Therefore, it has been classified as a Variant of Uncertain Significance. Algorithms developed to predict the effect of missense changes on protein structure and function (SIFT, PolyPhen-2, Align-GVGD) all suggest that this variant is likely to be disruptive, but these predictions have not been confirmed by published functional studies and their clinical significance is uncertain. This variant has not been reported in the literature in individuals with MYH11-related disease.